The following is an entry in ClinVar:

ClinVar aggregate classification (germline): Uncertain significance. Review status: criteria provided, multiple submitters, no conflicts (2 of 4 stars). 2 submissions from 2 submitters: Uncertain significance (2). Last evaluated 2025-11-04.

Conditions:
Brugada syndrome 8 (BRGDA8). Identifiers: Orphanet 130, MedGen C2751083, MONDO:0013148, OMIM 613123.
Sick sinus syndrome 2, autosomal dominant (SSS2). Also called: ATRIAL FIBRILLATION WITH BRADYARRHYTHMIA; SINUS BRADYCARDIA SYNDROME, FAMILIAL, AUTOSOMAL DOMINANT; SINUS NODE DISEASE, FAMILIAL, AUTOSOMAL DOMINANT; SICK SINUS SYNDROME 2; SICK SINUS SYNDROME 2 WITH OR WITHOUT CARDIAC NONCOMPACTION AND/OR ASCENDING AORTA DILATION. Identifiers: Orphanet 166282, MedGen C1834144, MONDO:0008102, OMIM 163800.

Allele frequency attached by ClinVar (database versions not stated): gnomAD exomes below 0.00001; TOPMed below 0.00001; gnomAD 0.00001.

Submissions (2):

Labcorp Genetics (formerly Invitae), Labcorp
Classification: Uncertain significance for Brugada syndrome 8. Last evaluated: 2025-11-04. Review status: criteria provided, single submitter. Criteria: Invitae Variant Classification Sherloc (09022015). Collection method: clinical testing. Allele origin: germline.
Comment: This sequence change replaces glycine, which is neutral and non-polar, with cysteine, which is neutral and slightly polar, at codon 193 of the HCN4 protein (p.Gly193Cys). This variant is not present in population databases (gnomAD no frequency). This variant has not been reported in the literature in individuals affected with HCN4-related conditions. ClinVar contains an entry for this variant (Variation ID: 885695). Invitae Evidence Modeling of protein sequence and biophysical properties (such as structural, functional, and spatial information, amino acid conservation, physicochemical variation, residue mobility, and thermodynamic stability) has been performed for this missense variant. However, the output from this modeling did not meet the statistical confidence thresholds required to predict the impact of this variant on HCN4 protein function. In summary, the available evidence is currently insufficient to determine the role of this variant in disease. Therefore, it has been classified as a Variant of Uncertain Significance.

Illumina Laboratory Services, Illumina
Classification: Uncertain significance for Sick sinus syndrome 2, autosomal dominant. Last evaluated: 2018-01-13. Review status: criteria provided, single submitter. Criteria: ICSL Variant Classification Criteria 13 December 2019. Collection method: clinical testing. Allele origin: germline.

NM_005477.3(HCN4):c.577G>T (p.Gly193Cys)

Gene: HCN4 (hyperpolarization activated cyclic nucleotide gated potassium channel 4; minus strand). Cytogenetic location: 15q24.1.
Variant type: single nucleotide variant.
Coding change: c.577G>T on transcript NM_005477.3 (MANE Select); coding-DNA position 577, G replaced by T.
Protein change: p.Gly193Cys; replaces glycine 193 with cysteine.
Molecular consequence: missense variant.
Genome position (GRCh38, 1-based): chr15:73,367,694, C>A on the plus strand (G>T on the coding strand, the complement: HCN4 is on the minus strand). VCF-style: chr15-73367694-C-A. GRCh37 (hg19) VCF-style: chr15-73660035-C-A.
Other names: short protein forms G193C.
Identifiers: ClinVar variation 885695 (VCV000885695.11), dbSNP rs2043135036, ClinGen allele CA393097580.
Genomic context (GRCh38, chr15:73,367,694, plus strand): 5'-AGCCGGCCTGGCCCAGGCGCACCTCGGCCTCCGGGAGGATCTGGTCGCCGGCAGCCGCGC[C>A]TCCCTCCACTTTGATAGCGGTGTCCACCGAGGGCTGCTCGCAGGAGGCGGAGGCCGGCTG-3'
Protein context (NP_005468.1, residues 183-203): SVDTAIKVEG[Gly193Cys]AAAGDQILPE